The following is an entry in ClinVar:

ClinVar aggregate classification (germline): Likely benign. Review status: criteria provided, single submitter (1 of 4 stars). 2 submissions from 2 submitters: Likely benign (1). 1 of the submissions does not count toward it. Last evaluated 2024-03-01.

Conditions:
FGFRL1-related disorder. Also called: FGFRL1-related condition.

Allele frequency attached by ClinVar (database versions not stated): ExAC 0.00002; TOPMed 0.00008; gnomAD 0.00009; ESP Exome Variant Server 0.00015; gnomAD exomes 0.00019.

Submissions (2):

Labcorp Genetics (formerly Invitae), Labcorp
Classification: Likely benign. Last evaluated: 2024-03-01. Review status: criteria provided, single submitter. Criteria: Invitae Variant Classification Sherloc (09022015). Collection method: clinical testing. Allele origin: germline.

PreventionGenetics, part of Exact Sciences
Classification: Likely benign for FGFRL1-related condition. Last evaluated: 2019-10-28. Review status: no assertion criteria provided. Collection method: clinical testing. Allele origin: germline. Not counted in ClinVar's aggregate classification.
Comment: This variant is classified as likely benign based on ACMG/AMP sequence variant interpretation guidelines (Richards et al. 2015 PMID: 25741868, with internal and published modifications).

NM_001004356.3(FGFRL1):c.1359G>A (p.Pro453=)

Gene: FGFRL1 (fibroblast growth factor receptor like 1; plus strand). Cytogenetic location: 4p16.3.
Variant type: single nucleotide variant.
Coding change: c.1359G>A on transcript NM_001004356.3 (MANE Select); coding-DNA position 1359, G replaced by A.
Protein change: p.Pro453=; no amino-acid change (proline 453 retained).
Molecular consequence: synonymous variant.
Genome position (GRCh38, 1-based): chr4:1,025,191, G>A. VCF-style: chr4-1025191-G-A. GRCh37 (hg19) VCF-style: chr4-1018979-G-A.
Other names: c.1359G>A, p.Pro453= (NM_001004358.1, NM_001370296.1, NM_021923.3).
Identifiers: ClinVar variation 3046075 (VCV003046075.4), dbSNP rs373825808, ClinGen allele CA2803090.